The following is an entry in ClinVar:

NM_001375883.1(GPR161):c.1417G>A (p.Glu473Lys)

Gene: GPR161 (G protein-coupled receptor 161; minus strand). Cytogenetic location: 1q24.2.
Variant type: single nucleotide variant.
Coding change: c.1417G>A on transcript NM_001375883.1 (MANE Select); coding-DNA position 1417, G replaced by A.
Protein change: p.Glu473Lys; replaces glutamic acid 473 with lysine.
Molecular consequence: missense variant.
Genome position (GRCh38, 1-based): chr1:168,085,704, C>T on the plus strand (G>A on the coding strand, the complement: GPR161 is on the minus strand). VCF-style: chr1-168085704-C-T. GRCh37 (hg19) VCF-style: chr1-168054942-C-T.
Other names: c.1477G>A, p.Glu493Lys (NM_001267609.1); c.1417G>A, p.Glu473Lys (NM_001267610.2, NM_001349632.1, NM_001349633.1 and 5 more transcripts); c.1468G>A, p.Glu490Lys (NM_001267611.1); c.1021G>A, p.Glu341Lys (NM_001267612.2, NM_001349635.1); c.1183G>A, p.Glu395Lys (NM_001267613.1); c.1075G>A, p.Glu359Lys (NM_001267614.1); short protein forms E341K, E493K, E359K, E395K, E473K, E490K.
Identifiers: ClinVar variation 4750049 (VCV004750049.1).

ClinVar aggregate classification (germline): Uncertain significance (1 of 4 stars; one submission).

gnomAD v4.1: 19 of 1,614,230 alleles (0.0012%); highest among the groups gnomAD compares: South Asian, 0.0077%; no homozygotes.

Submission:

Labcorp Genetics (formerly Invitae), Labcorp
Classification: Uncertain significance. Last evaluated: 2025-02-23. Review status: criteria provided, single submitter. Criteria: Invitae Variant Classification Sherloc (09022015). Collection method: clinical testing. Allele origin: germline.
Comment: This sequence change replaces glutamic acid, which is acidic and polar, with lysine, which is basic and polar, at codon 493 of the GPR161 protein (p.Glu493Lys). This variant is present in population databases (rs199866265, gnomAD 0.01%). This variant has not been reported in the literature in individuals affected with GPR161-related conditions. An algorithm developed to predict the effect of missense changes on protein structure and function (PolyPhen-2) suggests that this variant is likely to be tolerated. In summary, the available evidence is currently insufficient to determine the role of this variant in disease. Therefore, it has been classified as a Variant of Uncertain Significance.